The following is an entry in ClinVar:

ClinVar aggregate classification (germline): Uncertain significance (1 of 4 stars; one submission).

Submission:

GeneDx
Classification: Uncertain significance. Last evaluated: 2024-05-14. Review status: criteria provided, single submitter. Criteria: GeneDx Variant Classification Process June 2021. Collection method: clinical testing. Allele origin: germline. Affected: yes.
Comment: In-frame deletion of 2 amino acids in a non-repeat region; In silico analysis supports a deleterious effect on protein structure/function; In silico analysis is inconclusive as to whether the variant alters gene splicing. In the absence of RNA/functional studies, the actual effect of this sequence change is unknown.; Not observed at significant frequency in large population cohorts (gnomAD); Has not been previously published as pathogenic or benign to our knowledge

NM_000478.6(ALPL):c.1318_1323del (p.Asn440_Tyr441del)

Gene: ALPL (alkaline phosphatase, biomineralization associated; plus strand). Cytogenetic location: 1p36.12.
Variant type: Deletion.
Coding change: c.1318_1323del on transcript NM_000478.6 (MANE Select); coding-DNA positions 1318 to 1323, 6 bases deleted (AACTAC; older notation c.1318_1323delAACTAC).
Protein change: p.Asn440_Tyr441del.
Genome position (GRCh38, 1-based): chr1:21,577,391-21,577,396, AACTAC deleted; deleting any 6 consecutive bases within chr1:21,577,389-21,577,396 gives the same sequence; the c. name uses the placement nearest the transcript's 3' end. VCF-style (leftmost placement, unchanged base first): chr1-21577388-AACAACT-A. GRCh37 (hg19) VCF-style: chr1-21903881-AACAACT-A.
Other names: c.1153_1158del, p.Asn385_Tyr386del (NM_001127501.4); c.1087_1092del, p.Asn363_Tyr364del (NM_001177520.3); c.1318_1323del, p.Asn440_Tyr441del (NM_001369803.2, NM_001369804.2, NM_001369805.2).
Identifiers: ClinVar variation 3378211 (VCV003378211.1).